The following is an entry in ClinVar:

NM_001003800.2(BICD2):c.1062+5G>A

Gene: BICD2 (BICD cargo adaptor 2; minus strand). Cytogenetic location: 9q22.31.
Variant type: single nucleotide variant.
Coding change: c.1062+5G>A on transcript NM_001003800.2 (MANE Select); 5 bases into the intron after coding-DNA position 1062, G replaced by A.
Molecular consequence: intron variant.
Genome position (GRCh38, 1-based): chr9:92,720,295, C>T on the plus strand (G>A on the coding strand, the complement: BICD2 is on the minus strand). VCF-style: chr9-92720295-C-T. GRCh37 (hg19) VCF-style: chr9-95482577-C-T.
Other names: c.1062+5G>A (NM_015250.4).
Identifiers: ClinVar variation 1780499 (VCV001780499.7), dbSNP rs751891675, ClinGen allele CA5126668.

ClinVar aggregate classification (germline): Uncertain significance. Review status: criteria provided, multiple submitters, no conflicts (2 of 4 stars). 2 submissions from 2 submitters: Uncertain significance (2). Last evaluated 2023-05-15.

Conditions:
Inborn genetic diseases. Identifiers: MedGen C0950123, MeSH D030342.
Autosomal dominant childhood-onset proximal spinal muscular atrophy with contractures (SMALED2A). Also called: Spinal muscular atrophy, lower extremity-predominant, 2A, autosomal dominant; SPINAL MUSCULAR ATROPHY, LOWER EXTREMITY-PREDOMINANT, 2A, CHILDHOOD ONSET, AUTOSOMAL DOMINANT. Identifiers: Orphanet 363447, Orphanet 363454, MedGen C4747715, MONDO:0014121, OMIM 615290.

Allele frequency attached by ClinVar (database versions not stated): TOPMed below 0.00001; ExAC 0.00001; gnomAD exomes 0.00002.

Submissions (2):

Labcorp Genetics (formerly Invitae), Labcorp
Classification: Uncertain significance for Autosomal dominant childhood-onset proximal spinal muscular atrophy with contractures. Last evaluated: 2023-05-15. Review status: criteria provided, single submitter. Criteria: Invitae Variant Classification Sherloc (09022015). Collection method: clinical testing. Allele origin: germline.
Comment: In summary, the available evidence is currently insufficient to determine the role of this variant in disease. Therefore, it has been classified as a Variant of Uncertain Significance. Variants that disrupt the consensus splice site are a relatively common cause of aberrant splicing (PMID: 17576681, 9536098). Algorithms developed to predict the effect of sequence changes on RNA splicing suggest that this variant is not likely to affect RNA splicing. ClinVar contains an entry for this variant (Variation ID: 1780499). This variant has not been reported in the literature in individuals affected with BICD2-related conditions. This variant is present in population databases (rs751891675, gnomAD 0.002%). This sequence change falls in intron 4 of the BICD2 gene. It does not directly change the encoded amino acid sequence of the BICD2 protein. It affects a nucleotide within the consensus splice site.

Ambry Genetics
Classification: Uncertain significance for Inborn genetic diseases. Last evaluated: 2022-09-30. Review status: criteria provided, single submitter. Criteria: Ambry Variant Classification Scheme 2023. Collection method: clinical testing. Allele origin: germline.
Comment: The c.1062+5G>A intronic variant results from a G to A substitution 5 nucleotides after coding exon 4 in the BICD2 gene. This nucleotide position is well conserved in available vertebrate species. In silico splice site analysis predicts that this alteration will not have any significant effect on splicing. Since supporting evidence is limited at this time, the clinical significance of this alteration remains unclear. Since supporting evidence is limited at this time, the clinical significance of this alteration remains unclear.

Literature cited by the submitters: PubMed 17576681 (cited by Labcorp Genetics (formerly Invitae), Labcorp); PubMed 9536098 (cited by Labcorp Genetics (formerly Invitae), Labcorp).